The following is an entry in ClinVar:

ClinVar aggregate classification (germline): Pathogenic. Review status: reviewed by expert panel (3 of 4 stars). 3 submissions from 3 submitters: Pathogenic (1). 2 of the submissions do not count toward it. Last evaluated 2016-09-08.

Conditions:
Hereditary breast ovarian cancer syndrome. Also called: Hereditary breast and ovarian cancer; Hereditary breast and/or ovarian cancer syndrome; BRCA1- and BRCA2-Associated Hereditary Breast and Ovarian Cancer; Hereditary breast and ovarian cancer syndrome; Hereditary breast and ovarian cancer syndrome (HBOC); Breast and ovarian cancer. Identifiers: Orphanet 145, MedGen C0677776, MeSH D061325, MONDO:0003582. Disease mechanism: loss of function.
Breast-ovarian cancer, familial, susceptibility to, 2 (BROVCA2). Also called: BRCA2 Hereditary Breast and Ovarian Cancer. Identifiers: Orphanet 145, MedGen C2675520, MONDO:0012933, OMIM 612555. Disease mechanism: loss of function.

Submissions (3):

Evidence-based Network for the Interpretation of Germline Mutant Alleles (ENIGMA)
Classification: Pathogenic for Breast-ovarian cancer, familial, susceptibility to, 2. Last evaluated: 2016-09-08. Review status: reviewed by expert panel. Criteria: ENIGMA BRCA1/2 Classification Criteria (2015). Collection method: curation. Allele origin: germline.
Comment: Variant allele predicted to encode a truncated non-functional protein.

Research Molecular Genetics Laboratory, Women's College Hospital, University of Toronto
Classification: Pathogenic for Hereditary breast ovarian cancer syndrome. Last evaluated: 2014-01-31. Review status: no assertion criteria provided. Collection method: research. Allele origin: germline. Affected: yes. Study: The Canadian Open Genetics Repository (COGR). Not counted in ClinVar's aggregate classification.

Breast Cancer Information Core (BIC) (BRCA2)
Classification: Pathogenic for Breast-ovarian cancer, familial 2. Last evaluated: 2002-05-29. Review status: no assertion criteria provided. Collection method: clinical testing. Allele origin: germline, unknown. Affected: yes. Observed: 4 variant alleles. Not counted in ClinVar's aggregate classification.

NM_000059.4(BRCA2):c.5074_5075insA (p.Trp1692Ter)

Gene: BRCA2 (BRCA2 DNA repair associated; plus strand). Cytogenetic location: 13q13.1.
Variant type: Insertion.
Coding change: c.5074_5075insA on transcript NM_000059.4 (MANE Select); coding-DNA positions 5074 to 5075, A inserted.
Protein change: p.Trp1692Ter; replaces tryptophan 1692 with a stop codon.
Molecular consequence: nonsense.
Genome position: GRCh38 VCF-style: chr13-32339429-T-TA. GRCh37 (hg19) VCF-style: chr13-32913566-T-TA.
Other names: 5302insA; short protein forms W1692*.
Identifiers: ClinVar variation 126059 (VCV000126059.4), dbSNP rs80359482, ClinGen allele CA021214.